The following is an entry in ClinVar:

NM_213655.5(WNK1):c.2354A>G (p.Lys785Arg)

Gene: WNK1 (WNK lysine deficient protein kinase 1; plus strand). Cytogenetic location: 12p13.33.
Variant type: single nucleotide variant.
Coding change: c.2354A>G on transcript NM_213655.5 (MANE Plus Clinical); coding-DNA position 2354, A replaced by G.
Protein change: p.Lys785Arg; replaces lysine 785 with arginine.
Molecular consequence: missense variant. On other transcripts: intron variant (3).
Genome position (GRCh38, 1-based): chr12:865,324, A>G. VCF-style: chr12-865324-A-G. GRCh37 (hg19) VCF-style: chr12-974490-A-G.
Other names: c.2140-2542A>G (NM_001184985.2); c.2139+3054A>G (NM_018979.4, NM_014823.3); short protein forms K785R.
Identifiers: ClinVar variation 2931981 (VCV002931981.3), dbSNP rs1190765461, ClinGen allele CA383337870.

ClinVar aggregate classification (germline): Uncertain significance (1 of 4 stars; one submission).

Conditions:
Neuropathy, hereditary sensory and autonomic, type 2A (HSAN2A). Also called: ACROOSTEOLYSIS, GIACCAI TYPE; ACROOSTEOLYSIS, NEUROGENIC; MORVAN DISEASE; NEUROPATHY, CONGENITAL SENSORY; NEUROPATHY, HEREDITARY SENSORY RADICULAR, AUTOSOMAL RECESSIVE; NEUROPATHY, HEREDITARY SENSORY, TYPE IIA. Identifiers: Orphanet 970, MedGen C2752089, MONDO:0024309, OMIM 201300.
Pseudohypoaldosteronism type 2C (PHA2C). Also called: Pseudohypoaldosteronism Type IIC. Identifiers: Orphanet 757, Orphanet 88940, MedGen C1840391, MONDO:0013778, OMIM 614492.

Submission:

Labcorp Genetics (formerly Invitae), Labcorp
Classification: Uncertain significance for Neuropathy, hereditary sensory and autonomic, type 2A; Pseudohypoaldosteronism type 2C. Last evaluated: 2023-11-07. Review status: criteria provided, single submitter. Criteria: Invitae Variant Classification Sherloc (09022015). Collection method: clinical testing. Allele origin: germline.
Comment: This sequence change replaces lysine, which is basic and polar, with arginine, which is basic and polar, at codon 785 of the WNK1 protein (p.Lys785Arg). This variant is not present in population databases (gnomAD no frequency). This variant has not been reported in the literature in individuals affected with WNK1-related conditions. Advanced modeling of protein sequence and biophysical properties (such as structural, functional, and spatial information, amino acid conservation, physicochemical variation, residue mobility, and thermodynamic stability) performed at Invitae indicates that this missense variant is not expected to disrupt WNK1 protein function with a negative predictive value of 95%. In summary, the available evidence is currently insufficient to determine the role of this variant in disease. Therefore, it has been classified as a Variant of Uncertain Significance.